The following is an entry in ClinVar:

ClinVar aggregate classification (germline): Uncertain significance (1 of 4 stars; one submission).

Conditions:
Developmental and epileptic encephalopathy, 53. Also called: Epileptic encephalopathy, early infantile, 53. Identifiers: MedGen C4479313, MONDO:0033362, OMIM 617389.
Early-onset Parkinson disease 20. Also called: PARKINSON DISEASE 20, AUTOSOMAL RECESSIVE EARLY-ONSET. Identifiers: Orphanet 391411, MedGen C3809824, MONDO:0014233, OMIM 615530.

Allele frequency attached by ClinVar (database versions not stated): gnomAD exomes below 0.00001.
gnomAD v4.1: 3 of 1,613,478 alleles (0.00019%); highest among the groups gnomAD compares: Middle Eastern, 0.017%; no homozygotes.

Submission:

Labcorp Genetics (formerly Invitae), Labcorp
Classification: Uncertain significance for Developmental and epileptic encephalopathy, 53; Early-onset Parkinson disease 20. Last evaluated: 2021-12-02. Review status: criteria provided, single submitter. Criteria: Invitae Variant Classification Sherloc (09022015). Collection method: clinical testing. Allele origin: germline.
Comment: This sequence change replaces arginine, which is basic and polar, with cysteine, which is neutral and slightly polar, at codon 307 of the SYNJ1 protein (p.Arg307Cys). This variant is not present in population databases (gnomAD no frequency). This variant has not been reported in the literature in individuals affected with SYNJ1-related conditions. Algorithms developed to predict the effect of missense changes on protein structure and function (SIFT, PolyPhen-2, Align-GVGD) all suggest that this variant is likely to be disruptive. In summary, the available evidence is currently insufficient to determine the role of this variant in disease. Therefore, it has been classified as a Variant of Uncertain Significance.

NM_203446.3(SYNJ1):c.802C>T (p.Arg268Cys)

Gene: SYNJ1 (synaptojanin 1; minus strand). Cytogenetic location: 21q22.11.
Variant type: single nucleotide variant.
Coding change: c.802C>T on transcript NM_203446.3 (MANE Select); coding-DNA position 802, C replaced by T.
Protein change: p.Arg268Cys; replaces arginine 268 with cysteine.
Molecular consequence: missense variant.
Genome position (GRCh38, 1-based): chr21:32,688,355, G>A on the plus strand (C>T on the coding strand, the complement: SYNJ1 is on the minus strand). VCF-style: chr21-32688355-G-A. GRCh37 (hg19) VCF-style: chr21-34060665-G-A.
Other names: c.802C>T, p.Arg268Cys (NM_001160302.2, NM_001160306.2); c.919C>T, p.Arg307Cys (NM_003895.4); short protein forms R307C, R268C.
Identifiers: ClinVar variation 1511883 (VCV001511883.3), dbSNP rs2146108619, ClinGen allele CA410094517.